The following is an entry in ClinVar:

NM_000038.6(APC):c.4378G>T (p.Ala1460Ser)

Gene: APC (APC regulator of Wnt signaling pathway; plus strand). Cytogenetic location: 5q22.2.
Variant type: single nucleotide variant.
Coding change: c.4378G>T on transcript NM_000038.6 (MANE Select); coding-DNA position 4378, G replaced by T.
Protein change: p.Ala1460Ser; replaces alanine 1460 with serine.
Molecular consequence: missense variant.
Genome position (GRCh38, 1-based): chr5:112,839,972, G>T. VCF-style: chr5-112839972-G-T. GRCh37 (hg19) VCF-style: chr5-112175669-G-T.
Other names: c.4294G>T, p.Ala1432Ser (NM_001354899.2); c.4255G>T, p.Ala1419Ser (NM_001354900.2); c.4201G>T, p.Ala1401Ser (NM_001354901.2); c.4105G>T, p.Ala1369Ser (NM_001354902.2); c.4075G>T, p.Ala1359Ser (NM_001354903.2); c.4000G>T, p.Ala1334Ser (NM_001354904.2); c.3898G>T, p.Ala1300Ser (NM_001354905.2); c.3529G>T, p.Ala1177Ser (NM_001354906.2); and 5 more; short protein forms A1442S, A1460S, A1300S, A1359S, A1419S, A1435S, A1177S, A1369S.
Identifiers: ClinVar variation 537513 (VCV000537513.10), dbSNP rs1353405049, ClinGen allele CA16030917.

ClinVar aggregate classification (germline): Uncertain significance (1 of 4 stars; one submission).

Conditions:
Familial adenomatous polyposis 1 (FAP1). Also called: FAMILIAL ADENOMATOUS POLYPOSIS 1, ATTENUATED; POLYPOSIS, ADENOMATOUS INTESTINAL. Identifiers: MedGen C2713442, MONDO:0021056, OMIM 175100. Disease mechanism: loss of function.

Allele frequency attached by ClinVar (database versions not stated): gnomAD exomes below 0.00001.
gnomAD v4.1: 1 of 1,614,092 alleles (0.000062%); highest among the groups gnomAD compares: Non-Finnish European, 0.000085%; no homozygotes.

Submission:

Labcorp Genetics (formerly Invitae), Labcorp
Classification: Uncertain significance for Familial adenomatous polyposis 1. Last evaluated: 2017-11-04. Review status: criteria provided, single submitter. Criteria: Invitae Variant Classification Sherloc (09022015). Collection method: clinical testing. Allele origin: germline.
Comment: In summary, the available evidence is currently insufficient to determine the role of this variant in disease. Therefore, it has been classified as a Variant of Uncertain Significance. Algorithms developed to predict the effect of missense changes on protein structure and function (SIFT, PolyPhen-2, Align-GVGD) all suggest that this variant is likely to be tolerated, but these predictions have not been confirmed by published functional studies and their clinical significance is uncertain. This variant has not been reported in the literature in individuals with APC-related disease. This variant is not present in population databases (ExAC no frequency). This sequence change replaces alanine with serine at codon 1460 of the APC protein (p.Ala1460Ser). The alanine residue is moderately conserved and there is a moderate physicochemical difference between alanine and serine.